The following is an entry in ClinVar:

ClinVar aggregate classification (germline): Uncertain significance (1 of 4 stars; one submission).

Allele frequency attached by ClinVar (database versions not stated): gnomAD exomes below 0.00001.
gnomAD v4.1: 2 of 1,614,102 alleles (0.00012%); highest among the groups gnomAD compares: African/African-American, 0.0013%; no homozygotes.

Submission:

Labcorp Genetics (formerly Invitae), Labcorp
Classification: Uncertain significance. Last evaluated: 2021-04-03. Review status: criteria provided, single submitter. Criteria: Invitae Variant Classification Sherloc (09022015). Collection method: clinical testing. Allele origin: germline.
Comment: This sequence change replaces cysteine with tyrosine at codon 1129 of the TTC37 protein (p.Cys1129Tyr). The cysteine residue is moderately conserved and there is a large physicochemical difference between cysteine and tyrosine. In summary, the available evidence is currently insufficient to determine the role of this variant in disease. Therefore, it has been classified as a Variant of Uncertain Significance. Algorithms developed to predict the effect of missense changes on protein structure and function are either unavailable or do not agree on the potential impact of this missense change (SIFT: "Deleterious"; PolyPhen-2: "Probably Damaging"; Align-GVGD: "Class C0"). This variant has not been reported in the literature in individuals with TTC37-related conditions. This variant is not present in population databases (ExAC no frequency).

NM_014639.4(SKIC3):c.3386G>A (p.Cys1129Tyr)

Gene: SKIC3 (SKI3 subunit of superkiller complex; minus strand). Cytogenetic location: 5q15.
Variant type: single nucleotide variant.
Coding change: c.3386G>A on transcript NM_014639.4 (MANE Select); coding-DNA position 3386, G replaced by A.
Protein change: p.Cys1129Tyr; replaces cysteine 1129 with tyrosine.
Molecular consequence: missense variant.
Genome position (GRCh38, 1-based): chr5:95,498,547, C>T on the plus strand (G>A on the coding strand, the complement: SKIC3 is on the minus strand). VCF-style: chr5-95498547-C-T. GRCh37 (hg19) VCF-style: chr5-94834251-C-T.
Other names: short protein forms C1129Y.
Identifiers: ClinVar variation 1489831 (VCV001489831.8), dbSNP rs2112276896, ClinGen allele CA360451150.
Genomic context (GRCh38, chr5:95,498,547, plus strand): 5'-AGTAACTCATTAAGTGCTGCTTTTGACAGTGTAGCATCCTGCATTGCCAACCCTAGAGCA[C>T]ACAGGGCTTGAAGGCTTTCTGTGGTTGGTTCCTTTAAGATAGAGCTGTAAAGATATTTTA-3'
Protein context (NP_055454.1, residues 1119-1139): EPTTESLQAL[Cys1129Tyr]ALGLAMQDAT